The following is an entry in ClinVar:

NM_001039660.2(IL18BP):c.581G>A (p.Gly194Asp)

Gene: IL18BP (interleukin 18 binding protein; plus strand). Cytogenetic location: 11q13.4.
Variant type: single nucleotide variant.
Coding change: c.581G>A on transcript NM_001039660.2 (MANE Select); coding-DNA position 581, G replaced by A.
Protein change: p.Gly194Asp; replaces glycine 194 with aspartic acid.
Molecular consequence: missense variant. On other transcripts: synonymous variant (2), 3 prime UTR variant (1).
Genome position (GRCh38, 1-based): chr11:72,001,857, G>A. VCF-style: chr11-72001857-G-A. GRCh37 (hg19) VCF-style: chr11-71712903-G-A.
Other names: c.581G>A, p.Gly194Asp (NM_001039659.2, NM_001145057.1, NM_173042.2); c.309G>A, p.Gly103= (NM_001145055.1); c.*212G>A (NM_005699.3); c.453G>A, p.Gly151= (NM_173044.3); short protein forms G194D.
Identifiers: ClinVar variation 4762305 (VCV004762305.1).

ClinVar aggregate classification (germline): Uncertain significance (1 of 4 stars; one submission).

gnomAD v4.1: 2 of 1,614,090 alleles (0.00012%); highest among the groups gnomAD compares: Admixed American, 0.0017%; no homozygotes.

Submission:

Labcorp Genetics (formerly Invitae), Labcorp
Classification: Uncertain significance. Last evaluated: 2025-08-27. Review status: criteria provided, single submitter. Criteria: Invitae Variant Classification Sherloc (09022015). Collection method: clinical testing. Allele origin: germline.
Comment: This sequence change replaces glycine, which is neutral and non-polar, with aspartic acid, which is acidic and polar, at codon 194 of the IL18BP protein (p.Gly194Asp). This variant is not present in population databases (gnomAD no frequency). This variant has not been reported in the literature in individuals affected with IL18BP-related conditions. An algorithm developed to predict the effect of missense changes on protein structure and function (PolyPhen-2) suggests that this variant is likely to be disruptive. In summary, the available evidence is currently insufficient to determine the role of this variant in disease. Therefore, it has been classified as a Variant of Uncertain Significance.